The following is an entry in ClinVar:

ClinVar aggregate classification (germline): Pathogenic/Likely pathogenic. Review status: criteria provided, multiple submitters, no conflicts (2 of 4 stars). 2 submissions from 2 submitters: Pathogenic (1); Likely pathogenic (1). Last evaluated 2025-08-04.

Conditions:
Charcot-Marie-Tooth disease, type I (CMT1). Also called: Charcot-Marie-Tooth, Type 1; Charcot-Marie-Tooth disease type 1. Identifiers: Orphanet 65753, MedGen C0751036, MONDO:0019011.

Submissions (2):

Labcorp Genetics (formerly Invitae), Labcorp
Classification: Pathogenic for Charcot-Marie-Tooth disease, type I. Last evaluated: 2025-08-04. Review status: criteria provided, single submitter. Criteria: Invitae Variant Classification Sherloc (09022015). Collection method: clinical testing. Allele origin: germline.
Comment: This sequence change replaces aspartic acid, which is acidic and polar, with glutamic acid, which is acidic and polar, at codon 355 of the EGR2 protein (p.Asp355Glu). This variant is not present in population databases (gnomAD no frequency). This missense change has been observed in individuals with autosomal dominant Charcot-Marie-Tooth disease (PMID: 37306961; internal data). ClinVar contains an entry for this variant (Variation ID: 962248). Invitae Evidence Modeling of protein sequence and biophysical properties (such as structural, functional, and spatial information, amino acid conservation, physicochemical variation, residue mobility, and thermodynamic stability) indicates that this missense variant is expected to disrupt EGR2 protein function with a positive predictive value of 80%. This variant disrupts the p.Asp355 amino acid residue in EGR2. Other variant(s) that disrupt this residue have been determined to be pathogenic (PMID: 10502832). This suggests that this residue is clinically significant, and that variants that disrupt this residue are likely to be disease-causing. For these reasons, this variant has been classified as Pathogenic.

GeneDx
Classification: Likely pathogenic. Last evaluated: 2025-07-30. Review status: criteria provided, single submitter. Criteria: GeneDx Variant Classification Process June 2021. Collection method: clinical testing. Allele origin: germline. Affected: yes.
Comment: Not observed at significant frequency in large population cohorts (gnomAD); In silico analysis supports that this missense variant has a deleterious effect on protein structure/function; Has not been previously published as pathogenic or benign to our knowledge; This variant is associated with the following publications: (PMID: 16775366, 26204789)

Literature cited by the submitters: PubMed 37306961 (cited by Labcorp Genetics (formerly Invitae), Labcorp); PubMed 10502832 (cited by Labcorp Genetics (formerly Invitae), Labcorp).

NM_000399.5(EGR2):c.1065C>G (p.Asp355Glu)

Gene: EGR2 (early growth response 2; minus strand). Cytogenetic location: 10q21.3.
Variant type: single nucleotide variant.
Coding change: c.1065C>G on transcript NM_000399.5 (MANE Select); coding-DNA position 1065, C replaced by G.
Protein change: p.Asp355Glu; replaces aspartic acid 355 with glutamic acid.
Molecular consequence: missense variant.
Genome position (GRCh38, 1-based): chr10:62,813,573, G>C on the plus strand (C>G on the coding strand, the complement: EGR2 is on the minus strand). VCF-style: chr10-62813573-G-C. GRCh37 (hg19) VCF-style: chr10-64573333-G-C.
Other names: c.1065C>G, p.Asp355Glu (NM_001136177.3, NM_001136178.2); c.915C>G, p.Asp305Glu (NM_001136179.3, NM_001321037.2); short protein forms D305E, D355E.
Identifiers: ClinVar variation 962248 (VCV000962248.9), dbSNP rs1589080604, ClinGen allele CA377027880.